The following is an entry in ClinVar:

NM_000383.4(AIRE):c.463+6C>G

Gene: AIRE (autoimmune regulator; plus strand). Cytogenetic location: 21q22.3.
Variant type: single nucleotide variant.
Coding change: c.463+6C>G on transcript NM_000383.4 (MANE Select); 6 bases into the intron after coding-DNA position 463, C replaced by G.
Molecular consequence: intron variant.
Genome position (GRCh38, 1-based): chr21:44,287,139, C>G. VCF-style: chr21-44287139-C-G. GRCh37 (hg19) VCF-style: chr21-45707022-C-G.
Identifiers: ClinVar variation 1360317 (VCV001360317.6), dbSNP rs2146376456, ClinGen allele CA2573157682.
Genomic context (GRCh38, chr21:44,287,139, plus strand): 5'-GAGGCTCGAGCTGCCGCGCCAGCAGCCCTGACTCCAAGGGGCACCGCCAGCCCAGGTACC[C>G]TCCCTGCAGGGGAAGCCAGCCAGGGTCTCCAGTCTTCCCGGGCTTCCCCGGGAGCCCACG-3'

ClinVar aggregate classification (germline): Uncertain significance (1 of 4 stars; one submission).

Conditions:
Polyglandular autoimmune syndrome, type 1 (APS1). Also called: Autoimmune polyendocrine syndrome type 1; Autoimmune polyendocrinopathy syndrome, type I; Autoimmune polyendocrinopathy syndrome , type I, with or without reversible metaphyseal dysplasia; PGA I; AUTOIMMUNE POLYENDOCRINE SYNDROME, TYPE I, WITH OR WITHOUT REVERSIBLE METAPHYSEAL DYSPLASIA; HYPOADRENOCORTICISM WITH HYPOPARATHYROIDISM AND SUPERFICIAL MONILIASIS. Identifiers: Orphanet 3453, MedGen C0085859, MONDO:0009411, OMIM 240300.

Allele frequency attached by ClinVar (database versions not stated): gnomAD exomes below 0.00001.
gnomAD v4.1: 1 of 1,612,052 alleles (0.000062%); highest among the groups gnomAD compares: Non-Finnish European, 0.000085%; no homozygotes.

Submission:

Labcorp Genetics (formerly Invitae), Labcorp
Classification: Uncertain significance for Polyglandular autoimmune syndrome, type 1. Last evaluated: 2022-09-12. Review status: criteria provided, single submitter. Criteria: Invitae Variant Classification Sherloc (09022015). Collection method: clinical testing. Allele origin: germline.
Comment: This variant is not present in population databases (gnomAD no frequency). This sequence change falls in intron 3 of the AIRE gene. It does not directly change the encoded amino acid sequence of the AIRE protein. It affects a nucleotide within the consensus splice site. This variant has not been reported in the literature in individuals affected with AIRE-related conditions. In summary, the available evidence is currently insufficient to determine the role of this variant in disease. Therefore, it has been classified as a Variant of Uncertain Significance. Variants that disrupt the consensus splice site are a relatively common cause of aberrant splicing (PMID: 17576681, 9536098). Algorithms developed to predict the effect of sequence changes on RNA splicing suggest that this variant is not likely to affect RNA splicing. ClinVar contains an entry for this variant (Variation ID: 1360317).

Literature cited by the submitters: PubMed 17576681; PubMed 9536098.